The following is an entry in ClinVar:

ClinVar aggregate classification (germline): Uncertain significance. Review status: criteria provided, multiple submitters, no conflicts (2 of 4 stars). 3 submissions from 3 submitters: Uncertain significance (3). Last evaluated 2025-04-15.

Conditions:
Inborn genetic diseases. Identifiers: MedGen C0950123, MeSH D030342.
Joubert syndrome 21 (JBTS21). Identifiers: MedGen C3810212, MONDO:0014288, OMIM 615636.

Allele frequency attached by ClinVar (database versions not stated): gnomAD exomes 0.00001; ExAC 0.00002; gnomAD 0.00002 and 0.00004; TOPMed 0.00003.
gnomAD v4.1: 25 of 1,604,092 alleles (0.0016%); highest among the groups gnomAD compares: South Asian, 0.0055%; no homozygotes.

Submissions (3):

Ambry Genetics
Classification: Uncertain significance for Inborn genetic diseases. Last evaluated: 2025-04-15. Review status: criteria provided, single submitter. Criteria: Ambry Variant Classification Scheme 2023. Collection method: clinical testing. Allele origin: germline.

Labcorp Genetics (formerly Invitae), Labcorp
Classification: Uncertain significance for Joubert syndrome 21. Last evaluated: 2022-03-01. Review status: criteria provided, single submitter. Criteria: Invitae Variant Classification Sherloc (09022015). Collection method: clinical testing. Allele origin: germline.
Comment: This sequence change replaces arginine, which is basic and polar, with tryptophan, which is neutral and slightly polar, at codon 716 of the CSPP1 protein (p.Arg716Trp). This variant is present in population databases (rs778822396, gnomAD 0.007%). This variant has not been reported in the literature in individuals affected with CSPP1-related conditions. Algorithms developed to predict the effect of missense changes on protein structure and function are either unavailable or do not agree on the potential impact of this missense change (SIFT: "Deleterious"; PolyPhen-2: "Probably Damaging"; Align-GVGD: "Class C0"). In summary, the available evidence is currently insufficient to determine the role of this variant in disease. Therefore, it has been classified as a Variant of Uncertain Significance.

Blueprint Genetics
Classification: Uncertain significance. Last evaluated: 2019-10-30. Review status: criteria provided, single submitter. Criteria: ACMG Guidelines, 2015. Collection method: clinical testing. Allele origin: germline.

NM_001382391.1(CSPP1):c.2161C>T (p.Arg721Trp)

Gene: CSPP1 (centrosome and spindle pole associated protein 1; plus strand). Cytogenetic location: 8q13.2.
Variant type: single nucleotide variant.
Coding change: c.2161C>T on transcript NM_001382391.1 (MANE Select); coding-DNA position 2161, C replaced by T.
Protein change: p.Arg721Trp; replaces arginine 721 with tryptophan.
Molecular consequence: missense variant.
Genome position (GRCh38, 1-based): chr8:67,154,056, C>T. VCF-style: chr8-67154056-C-T. GRCh37 (hg19) VCF-style: chr8-68066291-C-T.
Other names: c.1111C>T, p.Arg371Trp (NM_001291339.2); c.2080C>T, p.Arg694Trp (NM_001363131.2); c.1966C>T, p.Arg656Trp (NM_001363132.2); c.1885C>T, p.Arg629Trp (NM_001363133.2); c.2227C>T, p.Arg743Trp (NM_001364869.1); c.2047C>T, p.Arg683Trp (NM_001364870.1); c.2146C>T, p.Arg716Trp (NM_024790.7); short protein forms R371W, R656W, R683W, R694W, R743W, R716W, R721W, R629W.
Identifiers: ClinVar variation 1461119 (VCV001461119.7), dbSNP rs778822396, ClinGen allele CA4770770.